The following is an entry in ClinVar:

NM_130384.3(ATRIP):c.2149G>T (p.Val717Leu)

Genes: ATRIP (ATR interacting protein; plus strand), ATRIP-TREX1 (ATRIP-TREX1 readthrough; plus strand). Cytogenetic location: 3p21.31.
Variant type: single nucleotide variant.
Coding change: c.2149G>T on transcript NM_130384.3 (MANE Select); coding-DNA position 2149, G replaced by T.
Protein change: p.Val717Leu; replaces valine 717 with leucine.
Molecular consequence: missense variant. On other transcripts: non-coding transcript variant (1).
Genome position (GRCh38, 1-based): chr3:48,464,924, G>T. VCF-style: chr3-48464924-G-T. GRCh37 (hg19) VCF-style: chr3-48506323-G-T.
Other names: c.1768G>T, p.Val590Leu (NM_001271022.2); c.1870G>T, p.Val624Leu (NM_001271023.2); c.2068G>T, p.Val690Leu (NM_032166.4); short protein forms V624L, V690L, V590L, V717L.
Identifiers: ClinVar variation 3975699 (VCV003975699.1).

ClinVar aggregate classification (germline): Uncertain significance (1 of 4 stars; one submission).

Submission:

Ambry Genetics
Classification: Uncertain significance. Last evaluated: 2025-03-21. Review status: criteria provided, single submitter. Criteria: Ambry Variant Classification Scheme 2023. Collection method: clinical testing. Allele origin: germline.
Comment: The p.V717L variant (also known as c.2149G>T), located in coding exon 12 of the ATRIP gene, results from a G to T substitution at nucleotide position 2149. The valine at codon 717 is replaced by leucine, an amino acid with highly similar properties. This amino acid position is conserved. In addition, this alteration is predicted to be tolerated by in silico analysis. Based on the available evidence, the clinical significance of this variant remains unclear.